The following is an entry in ClinVar:

ClinVar aggregate classification (germline): Likely benign. Review status: criteria provided, multiple submitters, no conflicts (2 of 4 stars). 3 submissions from 3 submitters: Likely benign (2). 1 of the submissions does not count toward it. Last evaluated 2022-12-05.

Conditions:
Hereditary cancer-predisposing syndrome. Also called: Tumor predisposition; Hereditary neoplastic syndrome; Hereditary Cancer Syndrome; Neoplastic Syndromes, Hereditary. Identifiers: Orphanet 140162, MedGen C0027672, MeSH D009386, MONDO:0015356.
Breast-ovarian cancer, familial, susceptibility to, 1 (BROVCA1). Also called: BRCA1 Hereditary Breast and Ovarian Cancer; OVARIAN CANCER, SUSCEPTIBILITY TO. Identifiers: Orphanet 145, MedGen C2676676, MONDO:0011450, OMIM 604370. Disease mechanism: loss of function.

Submissions (4):

Color Diagnostics, LLC DBA Color Health
Classification: Likely benign for Hereditary cancer-predisposing syndrome. Last evaluated: 2022-12-05. Review status: criteria provided, single submitter. Criteria: ACMG Guidelines, 2015. Collection method: clinical testing. Allele origin: germline.

GeneDx
Classification: Likely benign. Last evaluated: 2016-11-03. Review status: criteria provided, single submitter. Criteria: GeneDx Variant Classification (06012015). Collection method: clinical testing. Allele origin: germline. Affected: yes.
Comment: This variant is considered likely benign or benign based on one or more of the following criteria: it is a conservative change, it occurs at a poorly conserved position in the protein, it is predicted to be benign by multiple in silico algorithms, and/or has population frequency not consistent with disease.

Breast Cancer Information Core (BIC) (BRCA1)
Classification: Uncertain significance for Breast-ovarian cancer, familial 1. Last evaluated: 2002-05-29. Review status: no assertion criteria provided. Collection method: clinical testing. Allele origin: germline. Affected: yes. Observed: 1 variant allele. Not counted in ClinVar's aggregate classification.

Brotman Baty Institute, University of Washington
No classification provided (evidence only). Condition: Breast-ovarian cancer, familial 1. Review status: no classification provided. Collection method: in vitro. Allele origin: not applicable. Functional consequence: functionally_normal. Not counted in ClinVar's aggregate classification.
ClinVar note: "not provided" was previously submitted as the classification for the variant. However, the classification appeared to be based only on an observation of functional data so it was converted to no classification on 2025-07-30.

NM_007294.4(BRCA1):c.213-8A>C

Gene: BRCA1 (BRCA1 DNA repair associated; minus strand). Cytogenetic location: 17q21.31.
Variant type: single nucleotide variant.
Coding change: c.213-8A>C on transcript NM_007294.4 (MANE Select); 8 bases into the intron before coding-DNA position 213, A replaced by C.
Molecular consequence: intron variant.
Genome position (GRCh38, 1-based): chr17:43,104,964, T>G on the plus strand (A>C on the coding strand, the complement: BRCA1 is on the minus strand). VCF-style: chr17-43104964-T-G. GRCh37 (hg19) VCF-style: chr17-41256981-T-G.
Other names: IVS5-8A>C; c.213-8A>C (NM_001407612.1, NM_001408440.1, NM_001408428.1 and 167 more transcripts); c.3-8A>C (NM_001407917.1, NM_001407902.1, NM_001407956.1 and 58 more transcripts); c.72-8A>C (NM_001408462.1, NM_001407724.1, NM_001407697.1 and 99 more transcripts); c.135-8A>C (NM_001408414.1, NM_001408411.1, NM_001407655.1 and 21 more transcripts); c.-218-10104A>C (NM_001407967.1, NM_001407966.1); c.-169-8A>C (NM_001407959.1, NM_001407962.1, NM_001408512.1 and 4 more transcripts); c.81-8A>C (NM_001408451.1).
Identifiers: ClinVar variation 125618 (VCV000125618.7), dbSNP rs80358159, ClinGen allele CA001435.